The following is an entry in ClinVar:

NM_058216.3(RAD51C):c.653A>G (p.Glu218Gly)

Genes: RAD51C (RAD51 paralog C; plus strand), LOC129390903 (MPRA-validated peak2919 silencer; plus strand). Cytogenetic location: 17q22.
Variant type: single nucleotide variant.
Coding change: c.653A>G on transcript NM_058216.3 (MANE Select); coding-DNA position 653, A replaced by G.
Protein change: p.Glu218Gly; replaces glutamic acid 218 with glycine.
Molecular consequence: missense variant. On other transcripts: non-coding transcript variant (1).
Genome position (GRCh38, 1-based): chr17:58,703,277, A>G. VCF-style: chr17-58703277-A-G. GRCh37 (hg19) VCF-style: chr17-56780638-A-G.
Other names: short protein forms E218G.
Identifiers: ClinVar variation 471448 (VCV000471448.12), dbSNP rs1321358603, ClinGen allele CA400349708.

ClinVar aggregate classification (germline): Uncertain significance. Review status: criteria provided, multiple submitters, no conflicts (2 of 4 stars). 3 submissions from 3 submitters: Uncertain significance (3). Last evaluated 2025-05-27.

Conditions:
Hereditary cancer-predisposing syndrome. Also called: Tumor predisposition; Neoplastic Syndromes, Hereditary; Hereditary Cancer Syndrome; Hereditary neoplastic syndrome. Identifiers: Orphanet 140162, MedGen C0027672, MeSH D009386, MONDO:0015356.
Fanconi anemia complementation group O. Also called: RAD51C-Related Fanconi Anemia. Identifiers: Orphanet 84, MedGen C3150653, MONDO:0013248, OMIM 613390.

Allele frequency attached by ClinVar (database versions not stated): TOPMed below 0.00001; gnomAD 0.00001.
gnomAD v4.1: 3 of 1,609,868 alleles (0.00019%); highest among the groups gnomAD compares: Non-Finnish European, 0.00025%; no homozygotes.

Submissions (3):

Labcorp Genetics (formerly Invitae), Labcorp
Classification: Uncertain significance for Fanconi anemia complementation group O. Last evaluated: 2025-05-27. Review status: criteria provided, single submitter. Criteria: Invitae Variant Classification Sherloc (09022015). Collection method: clinical testing. Allele origin: germline.
Comment: This sequence change replaces glutamic acid, which is acidic and polar, with glycine, which is neutral and non-polar, at codon 218 of the RAD51C protein (p.Glu218Gly). This variant is not present in population databases (gnomAD no frequency). This variant has not been reported in the literature in individuals affected with RAD51C-related conditions. ClinVar contains an entry for this variant (Variation ID: 471448). Invitae Evidence Modeling of protein sequence and biophysical properties (such as structural, functional, and spatial information, amino acid conservation, physicochemical variation, residue mobility, and thermodynamic stability) indicates that this missense variant is expected to disrupt RAD51C protein function with a positive predictive value of 80%. In summary, the available evidence is currently insufficient to determine the role of this variant in disease. Therefore, it has been classified as a Variant of Uncertain Significance.

Color Diagnostics, LLC DBA Color Health
Classification: Uncertain significance for Hereditary cancer-predisposing syndrome. Last evaluated: 2025-02-19. Review status: criteria provided, single submitter. Criteria: ACMG Guidelines, 2015. Collection method: clinical testing. Allele origin: germline.
Comment: This missense variant replaces glutamic acid with glycine at codon 218 of the RAD51C protein. Computational prediction suggests that this variant may have deleterious impact on protein structure and function. To our knowledge, functional studies have not been reported for this variant. This variant has not been reported in individuals affected with RAD51C-related disorders in the literature. This variant has not been identified in the general population by the Genome Aggregation Database (gnomAD). The available evidence is insufficient to determine the role of this variant in disease conclusively. Therefore, this variant is classified as a Variant of Uncertain Significance.

Ambry Genetics
Classification: Uncertain significance for Hereditary cancer-predisposing syndrome. Last evaluated: 2023-09-27. Review status: criteria provided, single submitter. Criteria: Ambry Variant Classification Scheme 2023. Collection method: clinical testing. Allele origin: germline.
Comment: The p.E218G variant (also known as c.653A>G), located in coding exon 4 of the RAD51C gene, results from an A to G substitution at nucleotide position 653. The glutamic acid at codon 218 is replaced by glycine, an amino acid with similar properties. This amino acid position is highly conserved in available vertebrate species. In addition, this alteration is predicted to be deleterious by in silico analysis. Since supporting evidence is limited at this time, the clinical significance of this alteration remains unclear.